The following is an entry in ClinVar:

ClinVar aggregate classification (germline): Uncertain significance (1 of 4 stars; one submission).

Allele frequency attached by ClinVar (database versions not stated): gnomAD 0.00001; ExAC 0.00002.

Submission:

Labcorp Genetics (formerly Invitae), Labcorp
Classification: Uncertain significance. Last evaluated: 2022-06-18. Review status: criteria provided, single submitter. Criteria: Invitae Variant Classification Sherloc (09022015). Collection method: clinical testing. Allele origin: germline.
Comment: This sequence change replaces arginine, which is basic and polar, with cysteine, which is neutral and slightly polar, at codon 29 of the APTX protein (p.Arg29Cys). This variant is present in population databases (rs754156994, gnomAD 0.003%). This variant has not been reported in the literature in individuals affected with APTX-related conditions. Algorithms developed to predict the effect of missense changes on protein structure and function are either unavailable or do not agree on the potential impact of this missense change (SIFT: "Deleterious"; PolyPhen-2: "Probably Damaging"; Align-GVGD: "Class C15"). In summary, the available evidence is currently insufficient to determine the role of this variant in disease. Therefore, it has been classified as a Variant of Uncertain Significance.

NM_001195248.2(APTX):c.85C>T (p.Arg29Cys)

Gene: APTX (aprataxin; minus strand). Cytogenetic location: 9p21.1.
Variant type: single nucleotide variant.
Coding change: c.85C>T on transcript NM_001195248.2 (MANE Select); coding-DNA position 85, C replaced by T.
Protein change: p.Arg29Cys; replaces arginine 29 with cysteine.
Molecular consequence: missense variant. On other transcripts: 5 prime UTR variant (8), non-coding transcript variant (13).
Genome position (GRCh38, 1-based): chr9:32,989,807, G>A on the plus strand (C>T on the coding strand, the complement: APTX is on the minus strand). VCF-style: chr9-32989807-G-A. GRCh37 (hg19) VCF-style: chr9-32989805-G-A.
Other names: c.85C>T, p.Arg29Cys (NM_001195249.2, NM_001195250.2, NM_001195251.2 and 11 more transcripts); c.-175C>T (NM_001369002.1, NM_001369003.1, NM_001369005.1 and 4 more transcripts); c.-133C>T (NM_001369004.1); c.-323C>T (NM_175071.1); short protein forms R29C.
Identifiers: ClinVar variation 1935087 (VCV001935087.2), dbSNP rs754156994, ClinGen allele CA5022658.